The following is an entry in ClinVar:

NM_020832.3(ZNF687):c.3164C>T (p.Ala1055Val)

Gene: ZNF687 (zinc finger protein 687; plus strand). Cytogenetic location: 1q21.3.
Variant type: single nucleotide variant.
Coding change: c.3164C>T on transcript NM_020832.3 (MANE Select); coding-DNA position 3164, C replaced by T.
Protein change: p.Ala1055Val; replaces alanine 1055 with valine.
Molecular consequence: missense variant.
Genome position (GRCh38, 1-based): chr1:151,290,518, C>T. VCF-style: chr1-151290518-C-T. GRCh37 (hg19) VCF-style: chr1-151262994-C-T.
Other names: c.3164C>T, p.Ala1055Val (NM_001304763.2, NM_001304764.2); short protein forms A1055V.
Identifiers: ClinVar variation 4611526 (VCV004611526.2).
Genomic context (GRCh38, chr1:151,290,518, plus strand): 5'-TCAGCAGCCGCCTGATCCTAGAGAAACATGTCCAGGTCCGGCACGGCTTGCAGCTTGGGG[C>T]CCAGTCCCCTGGCCGGGGGACCACCTTGGCTCGGGGTTCCAGTGCCAGAGCCCAGGTAGG-3'
Protein context (NP_065883.1, residues 1045-1065): VQVRHGLQLG[Ala1055Val]QSPGRGTTLA

ClinVar aggregate classification (germline): Uncertain significance. Review status: criteria provided, multiple submitters, no conflicts (2 of 4 stars). 2 submissions from 2 submitters: Uncertain significance (2). Last evaluated 2025-12-08.

gnomAD v4.1: 24 of 1,613,786 alleles (0.0015%); highest among the groups gnomAD compares: African/African-American, 0.031%; no homozygotes.

Submissions (2):

Ambry Genetics
Classification: Uncertain significance. Last evaluated: 2025-12-08. Review status: criteria provided, single submitter. Criteria: Ambry Variant Classification Scheme 2023. Collection method: clinical testing. Allele origin: germline.

Labcorp Genetics (formerly Invitae), Labcorp
Classification: Uncertain significance. Last evaluated: 2025-09-25. Review status: criteria provided, single submitter. Criteria: Invitae Variant Classification Sherloc (09022015). Collection method: clinical testing. Allele origin: germline.
Comment: This sequence change replaces alanine, which is neutral and non-polar, with valine, which is neutral and non-polar, at codon 1055 of the ZNF687 protein (p.Ala1055Val). This variant is present in population databases (rs777798970, gnomAD 0.04%). This variant has not been reported in the literature in individuals affected with ZNF687-related conditions. An algorithm developed to predict the effect of missense changes on protein structure and function (PolyPhen-2) suggests that this variant is likely to be tolerated. In summary, the available evidence is currently insufficient to determine the role of this variant in disease. Therefore, it has been classified as a Variant of Uncertain Significance.